The following is an entry in ClinVar:

NM_001371986.1(UNC80):c.962G>T (p.Cys321Phe)

Gene: UNC80 (unc-80 subunit of NALCN channel complex; plus strand). Cytogenetic location: 2q34.
Variant type: single nucleotide variant.
Coding change: c.962G>T on transcript NM_001371986.1 (MANE Select); coding-DNA position 962, G replaced by T.
Protein change: p.Cys321Phe; replaces cysteine 321 with phenylalanine.
Molecular consequence: missense variant.
Genome position (GRCh38, 1-based): chr2:209,813,603, G>T. VCF-style: chr2-209813603-G-T. GRCh37 (hg19) VCF-style: chr2-210678327-G-T.
Other names: c.962G>T, p.Cys321Phe (NM_032504.2, NM_182587.4); short protein forms C321F.
Identifiers: ClinVar variation 2081825 (VCV002081825.4), dbSNP rs2079520816, ClinGen allele CA350132792.

ClinVar aggregate classification (germline): Uncertain significance (1 of 4 stars; one submission).

Allele frequency attached by ClinVar (database versions not stated): gnomAD exomes below 0.00001.
gnomAD v4.1: 1 of 1,551,684 alleles (0.000064%); highest among the groups gnomAD compares: African/African-American, 0.0014%; no homozygotes.

Submission:

Labcorp Genetics (formerly Invitae), Labcorp
Classification: Uncertain significance. Last evaluated: 2022-01-13. Review status: criteria provided, single submitter. Criteria: Invitae Variant Classification Sherloc (09022015). Collection method: clinical testing. Allele origin: germline.
Comment: In summary, the available evidence is currently insufficient to determine the role of this variant in disease. Therefore, it has been classified as a Variant of Uncertain Significance. Algorithms developed to predict the effect of missense changes on protein structure and function are either unavailable or do not agree on the potential impact of this missense change (SIFT: "Not Available"; PolyPhen-2: "Possibly Damaging"; Align-GVGD: "Not Available"). This sequence change replaces cysteine, which is neutral and slightly polar, with phenylalanine, which is neutral and non-polar, at codon 321 of the UNC80 protein (p.Cys321Phe). This variant is not present in population databases (gnomAD no frequency). This variant has not been reported in the literature in individuals affected with UNC80-related conditions.